The following is an entry in ClinVar:

NM_002662.5(PLD1):c.289-23A>G

Gene: PLD1 (phospholipase D1; minus strand). Cytogenetic location: 3q26.31.
Variant type: single nucleotide variant.
Coding change: c.289-23A>G on transcript NM_002662.5 (MANE Select); 23 bases into the intron before coding-DNA position 289, A replaced by G.
Molecular consequence: intron variant.
Genome position (GRCh38, 1-based): chr3:171,735,660, T>C on the plus strand (A>G on the coding strand, the complement: PLD1 is on the minus strand). VCF-style: chr3-171735660-T-C. GRCh37 (hg19) VCF-style: chr3-171453450-T-C.
Other names: c.289-23A>G (NM_001130081.3).
Identifiers: ClinVar variation 5019388 (VCV005019388.2).

ClinVar aggregate classification (germline): Uncertain significance (1 of 4 stars; one submission).

Conditions:
Cardiac valvular defect, developmental (CVDP1). Also called: CARDIAC VALVULAR DYSPLASIA 1. Identifiers: MedGen C5774175, MONDO:0008913, OMIM 212093.

gnomAD v4.1: 37 of 1,383,382 alleles (0.0027%); highest among the groups gnomAD compares: East Asian, 0.046%; no homozygotes.

Submission:

Juno Genomics, Hangzhou Juno Genomics, Inc
Classification: Uncertain significance for Cardiac valvular defect, developmental. Review status: criteria provided, single submitter. Criteria: ACMG Guidelines, 2015. Collection method: clinical testing. Allele origin: germline.
Comment: Absent from controls (or at extremely low frequency if recessive) in Genome Aggregation Database.;Multiple lines of computational evidence support a deleterious effect on the gene or gene product.